The following is an entry in ClinVar:

ClinVar aggregate classification (germline): Likely benign (1 of 4 stars; one submission).

Allele frequency attached by ClinVar (database versions not stated): 1000 Genomes Project 30x 0.00094; 1000 Genomes Project 0.00100; TOPMed 0.00214; gnomAD 0.00223; ESP Exome Variant Server 0.00238; ExAC 0.00244; gnomAD exomes 0.00354.
gnomAD v4.1: 5,493 of 1,614,154 alleles (0.34%); highest among the groups gnomAD compares: Non-Finnish European, 0.4%; 19 homozygotes.

Submissions (6):

CeGaT Center for Human Genetics Tuebingen
Classification: Likely benign. Last evaluated: 2024-01-01. Review status: criteria provided, single submitter. Criteria: CeGaT Center For Human Genetics Tuebingen Variant Classification Criteria Version 2. Collection method: clinical testing. Allele origin: germline. Affected: yes. Observed: 2 variant alleles.
Comment: IGF2R: BP4, BS2

Dr. Peter K. Rogan Lab, Western University
No classification provided (evidence only). Condition: Lung cancer. Review status: no classification provided. Collection method: in vitro. Allele origin: not applicable. Functional consequence: retained intron. Not counted in ClinVar's aggregate classification.

Dr. Peter K. Rogan Lab, Western University
No classification provided (evidence only). Condition: Familial cancer of breast. Review status: no classification provided. Collection method: in vitro. Allele origin: not applicable. Functional consequence: retained intron. Not counted in ClinVar's aggregate classification.

Dr. Peter K. Rogan Lab, Western University
No classification provided (evidence only). Condition: Thyroid cancer, nonmedullary, 1. Review status: no classification provided. Collection method: in vitro. Allele origin: not applicable. Functional consequence: retained intron. Not counted in ClinVar's aggregate classification.

Dr. Peter K. Rogan Lab, Western University
No classification provided (evidence only). Condition: Uterine corpus endometrial carcinoma. Review status: no classification provided. Collection method: in vitro. Allele origin: not applicable. Functional consequence: skipped exon, retained intron. Not counted in ClinVar's aggregate classification.

Dr. Peter K. Rogan Lab, Western University
No classification provided (evidence only). Condition: Thymoma. Review status: no classification provided. Collection method: in vitro. Allele origin: not applicable. Functional consequence: retained intron. Not counted in ClinVar's aggregate classification.

NM_000876.4(IGF2R):c.3377A>G (p.Asn1126Ser)

Gene: IGF2R (insulin like growth factor 2 receptor; plus strand). Cytogenetic location: 6q25.3.
Variant type: single nucleotide variant.
Coding change: c.3377A>G on transcript NM_000876.4 (MANE Select); coding-DNA position 3377, A replaced by G.
Protein change: p.Asn1126Ser; replaces asparagine 1126 with serine.
Molecular consequence: missense variant.
Genome position (GRCh38, 1-based): chr6:160,061,617, A>G. VCF-style: chr6-160061617-A-G. GRCh37 (hg19) VCF-style: chr6-160482649-A-G.
Other names: NC_000006.11:g.160482649A>G; short protein forms N1126S.
Identifiers: ClinVar variation 2657105 (VCV002657105.25), dbSNP rs151180572, ClinGen allele CA4082255.